The following is an entry in ClinVar:

NM_018249.6(CDK5RAP2):c.4222C>T (p.Arg1408Cys)

Gene: CDK5RAP2 (CDK5 regulatory subunit associated protein 2; minus strand). Cytogenetic location: 9q33.2.
Variant type: single nucleotide variant.
Coding change: c.4222C>T on transcript NM_018249.6 (MANE Select); coding-DNA position 4222, C replaced by T.
Protein change: p.Arg1408Cys; replaces arginine 1408 with cysteine.
Molecular consequence: missense variant. On other transcripts: non-coding transcript variant (5).
Genome position (GRCh38, 1-based): chr9:120,415,115, G>A on the plus strand (C>T on the coding strand, the complement: CDK5RAP2 is on the minus strand). VCF-style: chr9-120415115-G-A. GRCh37 (hg19) VCF-style: chr9-123177393-G-A.
Other names: c.4222C>T (NM_018249.4); c.4222C>T, p.Arg1408Cys (NM_001011649.3); c.3532C>T, p.Arg1178Cys (NM_001272039.2); short protein forms R1408C, R1178C.
Identifiers: ClinVar variation 1029686 (VCV001029686.6), dbSNP rs151259479, ClinGen allele CA5213626.

ClinVar aggregate classification (germline): Uncertain significance. Review status: criteria provided, multiple submitters, no conflicts (2 of 4 stars). 3 submissions from 3 submitters: Uncertain significance (3). Last evaluated 2024-10-21.

Conditions:
Inborn genetic diseases. Identifiers: MedGen C0950123, MeSH D030342.
Microcephaly 3, primary, autosomal recessive. Identifiers: Orphanet 2512, MedGen C1858108, MONDO:0011488, OMIM 604804.

Allele frequency attached by ClinVar (database versions not stated): TOPMed 0.00010.
gnomAD v4.1: 65 of 1,613,794 alleles (0.004%); highest among the groups gnomAD compares: Admixed American, 0.052%; no homozygotes.

Submissions (4):

Labcorp Genetics (formerly Invitae), Labcorp
Classification: Uncertain significance. Last evaluated: 2024-10-21. Review status: criteria provided, single submitter. Criteria: Invitae Variant Classification Sherloc (09022015). Collection method: clinical testing. Allele origin: germline.
Comment: This sequence change replaces arginine, which is basic and polar, with cysteine, which is neutral and slightly polar, at codon 1408 of the CDK5RAP2 protein (p.Arg1408Cys). The frequency data for this variant in the population databases is considered unreliable, as metrics indicate poor data quality at this position in the gnomAD database. This variant has not been reported in the literature in individuals affected with CDK5RAP2-related conditions. ClinVar contains an entry for this variant (Variation ID: 1029686). An algorithm developed to predict the effect of missense changes on protein structure and function (PolyPhen-2) suggests that this variant is likely to be disruptive. In summary, the available evidence is currently insufficient to determine the role of this variant in disease. Therefore, it has been classified as a Variant of Uncertain Significance.

Ambry Genetics
Classification: Uncertain significance for Inborn genetic diseases. Last evaluated: 2021-10-26. Review status: criteria provided, single submitter. Criteria: Ambry Variant Classification Scheme 2023. Collection method: clinical testing. Allele origin: germline.

Baylor Genetics
Classification: Uncertain significance for Microcephaly 3, primary, autosomal recessive. Last evaluated: 2020-08-01. Review status: criteria provided, single submitter. Criteria: ACMG Guidelines, 2015. Collection method: clinical testing. Allele origin: unknown. Affected: yes.
Comment: This variant was determined to be of uncertain significance according to ACMG Guidelines, 2015 [PMID:25741868].

Dr. Peter K. Rogan Lab, Western University
No classification provided (evidence only). Condition: Lung cancer. Review status: no classification provided. Collection method: in vitro. Allele origin: not applicable. Functional consequence: retained intron. Not counted in ClinVar's aggregate classification.